The following is an entry in ClinVar:

NM_001009944.3(PKD1):c.1640G>A (p.Gly547Glu)

Gene: PKD1 (polycystin 1, transient receptor potential channel interacting; minus strand). Cytogenetic location: 16p13.3.
Variant type: single nucleotide variant.
Coding change: c.1640G>A on transcript NM_001009944.3 (MANE Select); coding-DNA position 1640, G replaced by A.
Protein change: p.Gly547Glu; replaces glycine 547 with glutamic acid.
Molecular consequence: missense variant.
Genome position (GRCh38, 1-based): chr16:2,116,611, C>T on the plus strand (G>A on the coding strand, the complement: PKD1 is on the minus strand). VCF-style: chr16-2116611-C-T. GRCh37 (hg19) VCF-style: chr16-2166612-C-T.
Other names: c.1640G>A, p.Gly547Glu (NM_000296.4); short protein forms G547E.
Identifiers: ClinVar variation 3361841 (VCV003361841.1).
Genomic context (GRCh38, chr16:2,116,611, plus strand): 5'-GAGAGGCCGTCCTGCTGTGCCAGAGGCGTCAGGGGTCCCTGCAGGTCCCCACTGGGCGCT[C>T]CCACGAGGAGGTTCTCGGCATCCTGCACTGGGCCTGGGGTGGCGAGTGCACAGTGAGGCG-3'
Protein context (NP_001009944.3, residues 537-557): PVQDAENLLV[Gly547Glu]APSGDLQGPL

ClinVar aggregate classification (germline): Uncertain significance (1 of 4 stars; one submission).

Submission:

GeneDx
Classification: Uncertain significance. Last evaluated: 2023-08-02. Review status: criteria provided, single submitter. Criteria: GeneDx Variant Classification Process June 2021. Collection method: clinical testing. Allele origin: germline. Affected: yes.
Comment: Not observed at significant frequency in large population cohorts (gnomAD); In silico analysis supports that this missense variant has a deleterious effect on protein structure/function; Has not been previously published as pathogenic or benign to our knowledge